The following is an entry in ClinVar:

ClinVar aggregate classification (germline): Uncertain significance (1 of 4 stars; one submission).

Allele frequency attached by ClinVar (database versions not stated): gnomAD exomes below 0.00001; TOPMed below 0.00001.
gnomAD v4.1: 2 of 1,614,234 alleles (0.00012%); highest among the groups gnomAD compares: Admixed American, 0.0017%; no homozygotes.

Submission:

Labcorp Genetics (formerly Invitae), Labcorp
Classification: Uncertain significance. Last evaluated: 2021-09-17. Review status: criteria provided, single submitter. Criteria: Invitae Variant Classification Sherloc (09022015). Collection method: clinical testing. Allele origin: germline.
Comment: This sequence change replaces asparagine with serine at codon 2325 of the CPLANE1 protein (p.Asn2325Ser). The asparagine residue is moderately conserved and there is a small physicochemical difference between asparagine and serine. This variant is not present in population databases (ExAC no frequency). This variant has not been reported in the literature in individuals affected with CPLANE1-related conditions. Advanced modeling of protein sequence and biophysical properties (such as structural, functional, and spatial information, amino acid conservation, physicochemical variation, residue mobility, and thermodynamic stability) performed at Invitae indicates that this missense variant is not expected to disrupt CPLANE1 protein function. In summary, the available evidence is currently insufficient to determine the role of this variant in disease. Therefore, it has been classified as a Variant of Uncertain Significance.

NM_001384732.1(CPLANE1):c.6974A>G (p.Asn2325Ser)

Gene: CPLANE1 (ciliogenesis and planar polarity effector complex subunit 1; minus strand). Cytogenetic location: 5p13.2.
Variant type: single nucleotide variant.
Coding change: c.6974A>G on transcript NM_001384732.1 (MANE Select); coding-DNA position 6974, A replaced by G.
Protein change: p.Asn2325Ser; replaces asparagine 2325 with serine.
Molecular consequence: missense variant.
Genome position (GRCh38, 1-based): chr5:37,169,050, T>C on the plus strand (A>G on the coding strand, the complement: CPLANE1 is on the minus strand). VCF-style: chr5-37169050-T-C. GRCh37 (hg19) VCF-style: chr5-37169152-T-C.
Other names: c.6974A>G, p.Asn2325Ser (NM_023073.4); short protein forms N2325S.
Identifiers: ClinVar variation 1489297 (VCV001489297.6), dbSNP rs1178453531, ClinGen allele CA359478903.
Genomic context (GRCh38, chr5:37,169,050, plus strand): 5'-TTAACATCAAATAGTTTTTCTGGTTTTATAAACACTGAAGAGTCCTGTTGAGGTGTCAAA[T>C]TTTCTTGTCCAACATATTGATCCAAGTTCACATGATTAGGAATTTCTGTAATTACAGTTT-3'
Protein context (NP_001371661.1, residues 2315-2335): VNLDQYVGQE[Asn2325Ser]LTPQQDSSVF